The following is an entry in ClinVar:

NM_005138.3(SCO2):c.-18G>A

Genes: TYMP (thymidine phosphorylase; minus strand), SCO2 (synthesis of cytochrome C oxidase 2; minus strand), LOC130067861 (ATAC-STARR-seq lymphoblastoid silent region 13985; plus strand). Cytogenetic location: 22q13.33.
Variant type: single nucleotide variant.
Coding change: c.-18G>A on transcript NM_005138.3 (MANE Select); 18 bases upstream of the start codon, G replaced by A.
Molecular consequence: 5 prime UTR variant. On other transcripts: intron variant (2).
Genome position (GRCh38, 1-based): chr22:50,525,476, C>T on the plus strand (G>A on the coding strand, the complement: SCO2 is on the minus strand). VCF-style: chr22-50525476-C-T. GRCh37 (hg19) VCF-style: chr22-50963905-C-T.
Other names: c.-48G>A (NM_001169111.2); c.-14+770G>A (NM_001169109.2); c.-14+525G>A (NM_001169110.1).
Identifiers: ClinVar variation 139081 (VCV000139081.9), dbSNP rs74479613, ClinGen allele CA293437.

ClinVar aggregate classification (germline): Benign. Review status: criteria provided, multiple submitters, no conflicts (2 of 4 stars). 4 submissions from 3 submitters: Benign (4). Last evaluated 2018-01-13.

Conditions:
Mitochondrial DNA depletion syndrome 1. Also called: Mitochondrial neurogastrointestinal encephalomyopathy syndrome; POLIP SYNDROME; POLYNEUROPATHY, OPHTHALMOPLEGIA, LEUKOENCEPHALOPATHY, AND INTESTINAL PSEUDOOBSTRUCTION; Mitochondrial Neurogastrointestinal Encephalopathy Disease; MITOCHONDRIAL NEUROGASTROINTESTINAL ENCEPHALOPATHY SYNDROME, TYMP-RELATED; MNGIE, TYMP-RELATED. Identifiers: Orphanet 298, MedGen C4551995, MONDO:0011283, OMIM 603041.
Cardioencephalomyopathy, fatal infantile, due to cytochrome c oxidase deficiency 1 (MC4DN2). Also called: CYTOCHROME c OXIDASE DEFICIENCY, FATAL INFANTILE, WITH CARDIOENCEPHALOMYOPATHY; MITOCHONDRIAL COMPLEX IV DEFICIENCY, NUCLEAR TYPE 2. Identifiers: Orphanet 1561, MedGen C5399977, MONDO:0011451, OMIM 604377.

Allele frequency attached by ClinVar (database versions not stated): gnomAD 0.09346; 1000 Genomes Project 0.14297; TOPMed 0.09071; 1000 Genomes Project 30x 0.13554; gnomAD exomes 0.10425.
gnomAD v4.1: 47,421 of 476,210 alleles (10%); highest among the groups gnomAD compares: East Asian, 23%; 2,983 homozygotes.

Submissions (4):

Illumina Laboratory Services, Illumina
Classification: Benign for Mitochondrial DNA depletion syndrome 1. Last evaluated: 2018-01-13. Review status: criteria provided, single submitter. Criteria: ICSL Variant Classification Criteria 13 December 2019. Collection method: clinical testing. Allele origin: germline.
Comment: This variant was observed in the ICSL laboratory as part of a predisposition screen in an ostensibly healthy population. It had not been previously curated by ICSL or reported in the Human Gene Mutation Database (HGMD: prior to June 1st, 2018), and was therefore a candidate for classification through an automated scoring system. Utilizing variant allele frequency, disease prevalence and penetrance estimates, and inheritance mode, an automated score was calculated to assess if this variant is too frequent to cause the disease. Based on the score and internal cut-off values, a variant classified as benign is not then subjected to further curation. The score for this variant resulted in a classification of benign for this disease.

Illumina Laboratory Services, Illumina
Classification: Benign for Cardioencephalomyopathy, fatal infantile, due to cytochrome c oxidase deficiency 1. Last evaluated: 2018-01-13. Review status: criteria provided, single submitter. Criteria: ICSL Variant Classification Criteria 13 December 2019. Collection method: clinical testing. Allele origin: germline.
Comment: the same text as in the submission from Illumina Laboratory Services, Illumina above.

GeneDx
Classification: Benign. Last evaluated: 2011-07-07. Review status: criteria provided, single submitter. Criteria: GeneDx Variant Classification (06012015). Collection method: clinical testing. Allele origin: germline. Affected: yes.
Comment: This variant is considered likely benign or benign based on one or more of the following criteria: it is a conservative change, it occurs at a poorly conserved position in the protein, it is predicted to be benign by multiple in silico algorithms, and/or has population frequency not consistent with disease.

Breakthrough Genomics
Classification: Benign. Review status: criteria provided, single submitter. Criteria: ACMG Guidelines, 2015. Collection method: not provided. Allele origin: germline. Inheritance: Autosomal recessive inheritance. Affected: yes.